The following is an entry in ClinVar:

NM_014244.5(ADAMTS2):c.41_42insTG (p.Leu16fs)

Gene: ADAMTS2 (ADAM metallopeptidase with thrombospondin type 1 motif 2; minus strand). Cytogenetic location: 5q35.3.
Variant type: Insertion.
Coding change: c.41_42insTG on transcript NM_014244.5 (MANE Select); coding-DNA positions 41 to 42, TG inserted.
Protein change: p.Leu16fs; shifts the reading frame from leucine 16.
Molecular consequence: frameshift variant.
Genome position: GRCh38 VCF-style: chr5-179345287-G-GCA. GRCh37 (hg19) VCF-style: chr5-178772288-G-GCA.
Other names: c.41_42insTG, p.Leu16fs (NM_021599.4); short protein forms L16fs.
Identifiers: ClinVar variation 5010417 (VCV005010417.1).

ClinVar aggregate classification (germline): Pathogenic (1 of 4 stars; one submission).

Conditions:
Ehlers-Danlos syndrome, dermatosparaxis type. Also called: EDS VIIC; Dermatosparaxis; Ehlers-Danlos syndrome, type VII, autosomal recessive. Identifiers: Orphanet 1901, MedGen C2700425, MONDO:0009161, OMIM 225410.

Submission:

Myriad Genetics, Inc.
Classification: Pathogenic for Ehlers-Danlos syndrome, dermatosparaxis type. Last evaluated: 2024-05-14. Review status: criteria provided, single submitter. Criteria: Myriad Autosomal Dominant, Autosomal Recessive and X-Linked Classification Criteria (2023). Collection method: clinical testing. Allele origin: unknown.
Comment: NM_014244.4(ADAMTS2):c.41_42insTG(L16Rfs*150) is expected to be pathogenic in the context of Ehlers-Danlos syndrome, ADAMTS2-related. This variant is predicted to lead to an abnormal or absent protein product due to the creation of a premature termination codon in ADAMTS2, a gene where loss-of-function variants are known to be pathogenic. Please note: this variant was assessed in the context of healthy population screening.